The following is an entry in ClinVar:

NM_022089.4(ATP13A2):c.2413-2A>G

Gene: ATP13A2 (ATPase cation transporting 13A2; minus strand). Cytogenetic location: 1p36.13.
Variant type: single nucleotide variant.
Coding change: c.2413-2A>G on transcript NM_022089.4 (MANE Select); the canonical splice acceptor site of the intron before coding-DNA position 2413, A replaced by G.
Molecular consequence: splice acceptor variant. On other transcripts: intron variant (1).
Genome position (GRCh38, 1-based): chr1:16,990,005, T>C on the plus strand (A>G on the coding strand, the complement: ATP13A2 is on the minus strand). VCF-style: chr1-16990005-T-C. GRCh37 (hg19) VCF-style: chr1-17316500-T-C.
Other names: c.2397+122A>G (NM_001141974.3); c.2398-2A>G (NM_001141973.3).
Identifiers: ClinVar variation 3750718 (VCV003750718.2).

ClinVar aggregate classification (germline): Likely pathogenic (1 of 4 stars; one submission).

Conditions:
Autosomal recessive spastic paraplegia type 78. Identifiers: Orphanet 513436, MedGen C5567893, MONDO:0014975, OMIM 617225.
Kufor-Rakeb syndrome (KRS). Also called: PARKINSON DISEASE 9, AUTOSOMAL RECESSIVE, JUVENILE-ONSET. Identifiers: Orphanet 306674, Orphanet 314632, MedGen C1847640, MONDO:0011706, OMIM 606693.

Submission:

Labcorp Genetics (formerly Invitae), Labcorp
Classification: Likely pathogenic for Kufor-Rakeb syndrome; Autosomal recessive spastic paraplegia type 78. Last evaluated: 2024-11-10. Review status: criteria provided, single submitter. Criteria: Invitae Variant Classification Sherloc (09022015). Collection method: clinical testing. Allele origin: germline.
Comment: This sequence change affects an acceptor splice site in intron 21 of the ATP13A2 gene. It is expected to disrupt RNA splicing. Variants that disrupt the donor or acceptor splice site typically lead to a loss of protein function (PMID: 16199547), and loss-of-function variants in ATP13A2 are known to be pathogenic (PMID: 16964263, 21696388). This variant is not present in population databases (gnomAD no frequency). This variant has not been reported in the literature in individuals affected with ATP13A2-related conditions. Algorithms developed to predict the effect of sequence changes on RNA splicing suggest that this variant may disrupt the consensus splice site. In summary, the currently available evidence indicates that the variant is pathogenic, but additional data are needed to prove that conclusively. Therefore, this variant has been classified as Likely Pathogenic.

Literature cited by the submitters: PubMed 16199547; PubMed 16964263; PubMed 21696388.